The following is an entry in ClinVar:

ClinVar aggregate classification (germline): Uncertain significance (1 of 4 stars; one submission).

Conditions:
SLC35A2-congenital disorder of glycosylation. Also called: SLC35A2-CDG; CONGENITAL DISORDER OF GLYCOSYLATION, TYPE IIm, SOMATIC MOSAIC; EPILEPTIC ENCEPHALOPATHY, EARLY INFANTILE, 22; CDG IIm; DEVELOPMENTAL AND EPILEPTIC ENCEPHALOPATHY 22; CONGENITAL DISORDER OF GLYCOSYLATION, TYPE IIm. Identifiers: Orphanet 356961, MedGen C3806688, MONDO:0010478, OMIM 300896.

Submission:

Labcorp Genetics (formerly Invitae), Labcorp
Classification: Uncertain significance for SLC35A2-congenital disorder of glycosylation. Last evaluated: 2022-07-19. Review status: criteria provided, single submitter. Criteria: Invitae Variant Classification Sherloc (09022015). Collection method: clinical testing. Allele origin: germline.
Comment: In summary, the available evidence is currently insufficient to determine the role of this variant in disease. Therefore, it has been classified as a Variant of Uncertain Significance. Algorithms developed to predict the effect of missense changes on protein structure and function (SIFT, PolyPhen-2, Align-GVGD) all suggest that this variant is likely to be tolerated. This variant has not been reported in the literature in individuals affected with SLC35A2-related conditions. This variant is not present in population databases (gnomAD no frequency). This sequence change replaces histidine, which is basic and polar, with glutamine, which is neutral and polar, at codon 96 of the SLC35A2 protein (p.His96Gln).

NM_005660.3(SLC35A2):c.288C>G (p.His96Gln)

Gene: SLC35A2 (solute carrier family 35 member A2; minus strand). Cytogenetic location: Xp11.23.
Variant type: single nucleotide variant.
Coding change: c.288C>G on transcript NM_005660.3 (MANE Select); coding-DNA position 288, C replaced by G.
Protein change: p.His96Gln; replaces histidine 96 with glutamine.
Molecular consequence: missense variant.
Genome position (GRCh38, 1-based): chrX:48,906,530, G>C on the plus strand (C>G on the coding strand, the complement: SLC35A2 is on the minus strand). VCF-style: chrX-48906530-G-C. GRCh37 (hg19) VCF-style: chrX-48763807-G-C.
Other names: c.288C>G, p.His96Gln (NM_001032289.3, NM_001042498.3, NM_001282647.2); c.216C>G, p.His72Gln (NM_001282648.2); c.105C>G, p.His35Gln (NM_001282649.2); c.327C>G, p.His109Gln (NM_001282650.2); c.372C>G, p.His124Gln (NM_001282651.2); short protein forms H35Q, H96Q, H72Q, H109Q, H124Q.
Identifiers: ClinVar variation 2064349 (VCV002064349.4), dbSNP rs1470094127, ClinGen allele CA412896903.